The following is an entry in ClinVar:

ClinVar aggregate classification (germline): Uncertain significance (1 of 4 stars; one submission).

Conditions:
Dyskeratosis congenita, autosomal dominant 6 (DKCA6). Identifiers: Orphanet 3322, MedGen C4225284, MONDO:0014690, OMIM 616553.

Allele frequency attached by ClinVar (database versions not stated): gnomAD exomes 0.00001.
gnomAD v4.1: 11 of 1,613,388 alleles (0.00068%); highest among the groups gnomAD compares: Non-Finnish European, 0.00093%; no homozygotes.

Submission:

Labcorp Genetics (formerly Invitae), Labcorp
Classification: Uncertain significance for Dyskeratosis congenita, autosomal dominant 6. Last evaluated: 2022-08-05. Review status: criteria provided, single submitter. Criteria: Invitae Variant Classification Sherloc (09022015). Collection method: clinical testing. Allele origin: germline.
Comment: ClinVar contains an entry for this variant (Variation ID: 1434255). In summary, the available evidence is currently insufficient to determine the role of this variant in disease. Therefore, it has been classified as a Variant of Uncertain Significance. Algorithms developed to predict the effect of missense changes on protein structure and function output the following: SIFT: "Deleterious"; PolyPhen-2: "Benign"; Align-GVGD: "Class C0". The valine amino acid residue is found in multiple mammalian species, which suggests that this missense change does not adversely affect protein function. This variant has not been reported in the literature in individuals affected with ACD-related conditions. This variant is not present in population databases (gnomAD no frequency). This sequence change replaces alanine, which is neutral and non-polar, with valine, which is neutral and non-polar, at codon 408 of the ACD protein (p.Ala408Val).

NM_001082486.2(ACD):c.965C>T (p.Ala322Val)

Gene: ACD (ACD shelterin complex subunit and telomerase recruitment factor; minus strand). Cytogenetic location: 16q22.1.
Variant type: single nucleotide variant.
Coding change: c.965C>T on transcript NM_001082486.2 (MANE Select); coding-DNA position 965, C replaced by T.
Protein change: p.Ala322Val; replaces alanine 322 with valine.
Molecular consequence: missense variant.
Genome position (GRCh38, 1-based): chr16:67,658,227, G>A on the plus strand (C>T on the coding strand, the complement: ACD is on the minus strand). VCF-style: chr16-67658227-G-A. GRCh37 (hg19) VCF-style: chr16-67692130-G-A.
Other names: c.956C>T, p.Ala319Val (NM_022914.3); short protein forms A319V, A322V.
Identifiers: ClinVar variation 1434255 (VCV001434255.8), dbSNP rs2142968307, ClinGen allele CA396352638.
Genomic context (GRCh38, chr16:67,658,227, plus strand): 5'-TGGAGTGGGGAGCTGGGGGTACGGCTGGCGTGTGGGGACCTGGGGGTCAGGGTGGCAGGG[G>A]CTGAGCAGATGGCTGGTGAGGGCTGGGAGCTGCTTCTCTGCCCTGGGTCTGGAGCAGCCA-3'
Protein context (NP_001075955.2, residues 312-332): SSQPSPAICS[Ala322Val]PATLTPRSPH